The following is an entry in ClinVar:

NM_004260.4(RECQL4):c.2941G>A (p.Gly981Ser)

Gene: RECQL4 (RecQ like helicase 4; minus strand). Cytogenetic location: 8q24.3.
Variant type: single nucleotide variant.
Coding change: c.2941G>A on transcript NM_004260.4 (MANE Select); coding-DNA position 2941, G replaced by A.
Protein change: p.Gly981Ser; replaces glycine 981 with serine.
Molecular consequence: missense variant.
Genome position (GRCh38, 1-based): chr8:144,512,506, C>T on the plus strand (G>A on the coding strand, the complement: RECQL4 is on the minus strand). VCF-style: chr8-144512506-C-T. GRCh37 (hg19) VCF-style: chr8-145737889-C-T.
Other names: short protein forms G981S.
Identifiers: ClinVar variation 855301 (VCV000855301.5), dbSNP rs757541591, ClinGen allele CA4947998.
Genomic context (GRCh38, chr8:144,512,506, plus strand): 5'-CCAGCTCCCAGCCCATGGAGTCCACCAGCTTGACCATGTCAAACTCCACGGAGCTGCTGC[C>T]TTGCCCTGGGTCCTCAGGCAGCTGCTGGGCCAAGCACACAGCCAAAGGGGGACACCTGTG-3'
Protein context (NP_004251.4, residues 971-991): AQQLPEDPGQ[Gly981Ser]SSSVEFDMVK

ClinVar aggregate classification (germline): Uncertain significance (1 of 4 stars; one submission).

Conditions:
Baller-Gerold syndrome (BGS). Also called: CRANIOSYNOSTOSIS WITH RADIAL DEFECTS. Identifiers: Orphanet 1225, MedGen C0265308, MONDO:0009039, OMIM 218600.

Allele frequency attached by ClinVar (database versions not stated): gnomAD exomes 0.00001 and 0.00002; gnomAD 0.00002; TOPMed 0.00002; ExAC 0.00003.
gnomAD v4.1: 15 of 1,612,452 alleles (0.00093%); highest among the groups gnomAD compares: Admixed American, 0.015%; no homozygotes.

Submission:

Labcorp Genetics (formerly Invitae), Labcorp
Classification: Uncertain significance for Baller-Gerold syndrome. Last evaluated: 2025-06-02. Review status: criteria provided, single submitter. Criteria: Invitae Variant Classification Sherloc (09022015). Collection method: clinical testing. Allele origin: germline.
Comment: This sequence change replaces glycine, which is neutral and non-polar, with serine, which is neutral and polar, at codon 981 of the RECQL4 protein (p.Gly981Ser). This variant is present in population databases (rs757541591, gnomAD 0.01%). This variant has not been reported in the literature in individuals affected with RECQL4-related conditions. ClinVar contains an entry for this variant (Variation ID: 855301). Invitae Evidence Modeling of protein sequence and biophysical properties (such as structural, functional, and spatial information, amino acid conservation, physicochemical variation, residue mobility, and thermodynamic stability) indicates that this missense variant is not expected to disrupt RECQL4 protein function with a negative predictive value of 80%. In summary, the available evidence is currently insufficient to determine the role of this variant in disease. Therefore, it has been classified as a Variant of Uncertain Significance.